The following is an entry in ClinVar:

NM_017617.5(NOTCH1):c.7040T>C (p.Val2347Ala)

Gene: NOTCH1 (notch receptor 1; minus strand). Cytogenetic location: 9q34.3.
Variant type: single nucleotide variant.
Coding change: c.7040T>C on transcript NM_017617.5 (MANE Select); coding-DNA position 7040, T replaced by C.
Protein change: p.Val2347Ala; replaces valine 2347 with alanine.
Molecular consequence: missense variant.
Genome position (GRCh38, 1-based): chr9:136,496,699, A>G on the plus strand (T>C on the coding strand, the complement: NOTCH1 is on the minus strand). VCF-style: chr9-136496699-A-G. GRCh37 (hg19) VCF-style: chr9-139391151-A-G.
Other names: short protein forms V2347A.
Identifiers: ClinVar variation 1756843 (VCV001756843.3), dbSNP rs1387630219, ClinGen allele CA375629125.

ClinVar aggregate classification (germline): Uncertain significance. Review status: criteria provided, multiple submitters, no conflicts (2 of 4 stars). 2 submissions from 2 submitters: Uncertain significance (2). Last evaluated 2024-03-08.

Conditions:
Familial thoracic aortic aneurysm and aortic dissection (TAAD). Also called: Thoracic aortic aneurysms and dissections. Identifiers: Orphanet 91387, MedGen C4707243, MONDO:0019625.

Allele frequency attached by ClinVar (database versions not stated): gnomAD exomes below 0.00001; TOPMed below 0.00001.
gnomAD v4.1: 2 of 1,612,784 alleles (0.00012%); no homozygotes.

Submissions (2):

GeneDx
Classification: Uncertain significance. Last evaluated: 2024-03-08. Review status: criteria provided, single submitter. Criteria: GeneDx Variant Classification Process June 2021. Collection method: clinical testing. Allele origin: germline. Affected: yes.
Comment: Not observed at significant frequency in large population cohorts (gnomAD); In silico analysis supports that this missense variant does not alter protein structure/function; Has not been previously published as pathogenic or benign to our knowledge

Ambry Genetics
Classification: Uncertain significance for Familial thoracic aortic aneurysm and aortic dissection. Last evaluated: 2021-11-24. Review status: criteria provided, single submitter. Criteria: Ambry Variant Classification Scheme 2023. Collection method: clinical testing. Allele origin: germline.
Comment: The p.V2347A variant (also known as c.7040T>C), located in coding exon 34 of the NOTCH1 gene, results from a T to C substitution at nucleotide position 7040. The valine at codon 2347 is replaced by alanine, an amino acid with similar properties. This amino acid position is conserved. In addition, this alteration is predicted to be tolerated by in silico analysis. Since supporting evidence is limited at this time, the clinical significance of this alteration remains unclear.